The following is an entry in ClinVar:

ClinVar aggregate classification (germline): Uncertain significance. Review status: criteria provided, multiple submitters, no conflicts (2 of 4 stars). 2 submissions from 2 submitters: Uncertain significance (2). Last evaluated 2025-09-10.

Conditions:
Joubert syndrome 21 (JBTS21). Identifiers: MedGen C3810212, MONDO:0014288, OMIM 615636.
Inborn genetic diseases. Identifiers: MedGen C0950123, MeSH D030342.

Allele frequency attached by ClinVar (database versions not stated): ExAC 0.00002; gnomAD 0.00002 and 0.00003; gnomAD exomes 0.00002 and 0.00004; TOPMed 0.00005.
gnomAD v4.1: 33 of 1,613,928 alleles (0.002%); highest among the groups gnomAD compares: South Asian, 0.0077%; 1 homozygote.

Submissions (2):

Ambry Genetics
Classification: Uncertain significance for Inborn genetic diseases. Last evaluated: 2025-09-10. Review status: criteria provided, single submitter. Criteria: Ambry Variant Classification Scheme 2023. Collection method: clinical testing. Allele origin: germline.

Labcorp Genetics (formerly Invitae), Labcorp
Classification: Uncertain significance for Joubert syndrome 21. Last evaluated: 2024-10-07. Review status: criteria provided, single submitter. Criteria: Invitae Variant Classification Sherloc (09022015). Collection method: clinical testing. Allele origin: germline.
Comment: This sequence change replaces arginine, which is basic and polar, with cysteine, which is neutral and slightly polar, at codon 480 of the CSPP1 protein (p.Arg480Cys). This variant is present in population databases (rs759265787, gnomAD 0.01%). This variant has not been reported in the literature in individuals affected with CSPP1-related conditions. ClinVar contains an entry for this variant (Variation ID: 1005661). An algorithm developed to predict the effect of missense changes on protein structure and function (PolyPhen-2) suggests that this variant¬†is likely to be tolerated. In summary, the available evidence is currently insufficient to determine the role of this variant in disease. Therefore, it has been classified as a Variant of Uncertain Significance.

NM_001382391.1(CSPP1):c.1453C>T (p.Arg485Cys)

Gene: CSPP1 (centrosome and spindle pole associated protein 1; plus strand). Cytogenetic location: 8q13.2.
Variant type: single nucleotide variant.
Coding change: c.1453C>T on transcript NM_001382391.1 (MANE Select); coding-DNA position 1453, C replaced by T.
Protein change: p.Arg485Cys; replaces arginine 485 with cysteine.
Molecular consequence: missense variant.
Genome position (GRCh38, 1-based): chr8:67,116,079, C>T. VCF-style: chr8-67116079-C-T. GRCh37 (hg19) VCF-style: chr8-68028314-C-T.
Other names: c.556C>T, p.Arg186Cys (NM_001291339.2); c.1372C>T, p.Arg458Cys (NM_001363131.2); c.1411C>T, p.Arg471Cys (NM_001363132.2); c.1330C>T, p.Arg444Cys (NM_001363133.2); c.1519C>T, p.Arg507Cys (NM_001364869.1); c.1339C>T, p.Arg447Cys (NM_001364870.1); c.1438C>T, p.Arg480Cys (NM_024790.7); short protein forms R186C, R444C, R447C, R458C, R471C, R480C, R485C, R507C.
Identifiers: ClinVar variation 1005661 (VCV001005661.6), dbSNP rs759265787, ClinGen allele CA4770539.